The following continues an entry in ClinVar:

NM_002485.5(NBN):c.1912T>C (p.Ser638Pro)

ClinVar aggregate classification (germline): Conflicting classifications of pathogenicity. Uncertain significance (11); Likely benign (2).

Submission 16 of 16:

Department of Pathology and Laboratory Medicine, Sinai Health System
Classification: Uncertain significance for Familial ovarian cancer. Review status: no assertion criteria provided. Collection method: clinical testing. Allele origin: unknown. Affected: yes. Observed: 1 variant allele. Study: The Canadian Open Genetics Repository (COGR). Not counted in ClinVar's aggregate classification.
Comment: The NBN p.Ser638Pro variant was identified in 1 of 164 proband chromosomes (frequency: 0.006) from individuals or families with intrahepatic cholangiocarcinoma (Wang 2013). The variant was also identified in dbSNP (ID: rs199657566) as "With Uncertain significance allele", and in ClinVar (classified as uncertain significance by Ambry Genetics, GeneDx, Invitae, Counsyl). The variant was not identified in Cosmic, LOVD 3.0 or the Zhejiang University database. The variant was identified in control databases in 6 of 225126 chromosomes at a frequency of 0.00003 (Genome Aggregation Database Feb 27, 2017). The variant was observed in the following populations: Latino in 1 of 32486 chromosomes (freq: 0.00003), European in 4 of 99228 chromosomes (freq: 0.00004), and South Asian in 1 of 28658 chromosomes (freq: 0.00004); it was not observed in the African, Other, Ashkenazi Jewish, East Asian, or Finnish populations. The p.Ser638 residue is not conserved in mammals and four out of five computational analyses (PolyPhen-2, SIFT, AlignGVGD, BLOSUM, MutationTaster) do not suggest a high likelihood of impact to the protein; however, this information is not predictive enough to rule out pathogenicity. The p.Ser638Pro variant occurs in the 3rd last base of the exon. This position has been shown to be part of the splicing consensus sequence and variants involving this position sometimes affect splicing. However, in silico or computational prediction software programs (SpliceSiteFinder, MaxEntScan, NNSPLICE, GeneSplicer, HumanSpliceFinder) do not predict a difference in splicing. The variant was predicted to be damaging to Nbs1 function by loss of the nuclear localization of Mre11 and leading to deficiency in DNA double strand break repair (Wang 2013). In summary, based on the above information the clinical significance of this variant cannot be determined with certainty at this time. This variant is classified as a variant of uncertain significance.

Literature cited by the submitters: PubMed 28135145 (cited by 3 submitters); PubMed 30982232 (cited by Women's Health and Genetics/Laboratory Corporation of America, LabCorp); PubMed 31248605 (cited by Women's Health and Genetics/Laboratory Corporation of America, LabCorp); PubMed 35264596 (cited by Women's Health and Genetics/Laboratory Corporation of America, LabCorp); PubMed 37013556 (cited by Women's Health and Genetics/Laboratory Corporation of America, LabCorp); PubMed 39541563 (cited by Women's Health and Genetics/Laboratory Corporation of America, LabCorp); PubMed 34102435 (cited by Women's Health and Genetics/Laboratory Corporation of America, LabCorp); PubMed 36413997 (cited by Ambry Genetics); PubMed 33471991 (cited by Sema4); PubMed 24349281 (cited by Quest Diagnostics Nichols Institute San Juan Capistrano).